The following is an entry in ClinVar:

ClinVar aggregate classification (germline): Benign (1 of 4 stars; one submission).

Allele frequency attached by ClinVar (database versions not stated): TOPMed 0.69223; gnomAD 0.70909 and 0.71125; 1000 Genomes Project 30x 0.72455; 1000 Genomes Project 0.73702.
gnomAD v4.1: 104,021 of 146,240 alleles (71%); highest among the groups gnomAD compares: South Asian, 77%; 35,792 homozygotes.

Submission:

GeneDx
Classification: Benign. Last evaluated: 2018-06-19. Review status: criteria provided, single submitter. Criteria: GeneDx Variant Classification (06012015). Collection method: clinical testing. Allele origin: germline. Affected: yes.
Comment: This variant is considered likely benign or benign based on one or more of the following criteria: it is a conservative change, it occurs at a poorly conserved position in the protein, it is predicted to be benign by multiple in silico algorithms, and/or has population frequency not consistent with disease.

NM_014694.4(ADAMTSL2):c.310-199T>C

Gene: ADAMTSL2 (ADAMTS like 2; plus strand). Cytogenetic location: 9q34.2.
Variant type: single nucleotide variant.
Coding change: c.310-199T>C on transcript NM_014694.4 (MANE Select); 199 bases into the intron before coding-DNA position 310, T replaced by C.
Molecular consequence: intron variant.
Genome position (GRCh38, 1-based): chr9:133,539,572, T>C. VCF-style: chr9-133539572-T-C. GRCh37 (hg19) VCF-style: chr9-136404694-T-C.
Other names: c.310-199T>C (NM_001145320.2).
Identifiers: ClinVar variation 680463 (VCV000680463.1), dbSNP rs3793628, ClinGen allele CA13002608.